The following is an entry in ClinVar:

NM_001377.3(DYNC2H1):c.5875-226C>G

Gene: DYNC2H1 (dynein cytoplasmic 2 heavy chain 1; plus strand). Cytogenetic location: 11q22.3.
Variant type: single nucleotide variant.
Coding change: c.5875-226C>G on transcript NM_001377.3 (MANE Select); 226 bases into the intron before coding-DNA position 5875, C replaced by G.
Molecular consequence: intron variant.
Genome position (GRCh38, 1-based): chr11:103,177,330, C>G. VCF-style: chr11-103177330-C-G. GRCh37 (hg19) VCF-style: chr11-103048059-C-G.
Other names: c.5875-226C>G (NM_001080463.2).
Identifiers: ClinVar variation 672992 (VCV000672992.1), dbSNP rs11225580, ClinGen allele CA227403187.

ClinVar aggregate classification (germline): Benign (1 of 4 stars; one submission).

Allele frequency attached by ClinVar (database versions not stated): TOPMed 0.04343; 1000 Genomes Project 0.04313; 1000 Genomes Project 30x 0.04778.
gnomAD v4.1: 5,732 of 151,990 alleles (3.8%); highest among the groups gnomAD compares: African/African-American, 13%; 363 homozygotes.

Submission:

GeneDx
Classification: Benign. Last evaluated: 2018-06-14. Review status: criteria provided, single submitter. Criteria: GeneDx Variant Classification (06012015). Collection method: clinical testing. Allele origin: germline. Affected: yes.
Comment: This variant is considered likely benign or benign based on one or more of the following criteria: it is a conservative change, it occurs at a poorly conserved position in the protein, it is predicted to be benign by multiple in silico algorithms, and/or has population frequency not consistent with disease.